The following is an entry in ClinVar:

ClinVar aggregate classification (germline): Uncertain significance (1 of 4 stars; one submission).

Conditions:
Hereditary sensory and autonomic neuropathy with spastic paraplegia (HSNSP). Identifiers: Orphanet 139578, MedGen C1850395, MONDO:0009748, OMIM 256840.

gnomAD v4.1: 4 of 1,612,980 alleles (0.00025%); highest among the groups gnomAD compares: Non-Finnish European, 0.00034%; no homozygotes.

Submission:

Labcorp Genetics (formerly Invitae), Labcorp
Classification: Uncertain significance for Hereditary sensory and autonomic neuropathy with spastic paraplegia. Last evaluated: 2025-10-01. Review status: criteria provided, single submitter. Criteria: Invitae Variant Classification Sherloc (09022015). Collection method: clinical testing. Allele origin: germline.
Comment: This sequence change replaces glycine, which is neutral and non-polar, with aspartic acid, which is acidic and polar, at codon 174 of the CCT5 protein (p.Gly174Asp). This variant is not present in population databases (gnomAD no frequency). This variant has not been reported in the literature in individuals affected with CCT5-related conditions. Invitae Evidence Modeling of protein sequence and biophysical properties (such as structural, functional, and spatial information, amino acid conservation, physicochemical variation, residue mobility, and thermodynamic stability) indicates that this missense variant is expected to disrupt CCT5 protein function with a positive predictive value of 80%. In summary, the available evidence is currently insufficient to determine the role of this variant in disease. Therefore, it has been classified as a Variant of Uncertain Significance.

NM_012073.5(CCT5):c.521G>A (p.Gly174Asp)

Gene: CCT5 (chaperonin containing TCP1 subunit 5; plus strand). Cytogenetic location: 5p15.2.
Variant type: single nucleotide variant.
Coding change: c.521G>A on transcript NM_012073.5 (MANE Select); coding-DNA position 521, G replaced by A.
Protein change: p.Gly174Asp; replaces glycine 174 with aspartic acid.
Molecular consequence: missense variant.
Genome position (GRCh38, 1-based): chr5:10,256,144, G>A. VCF-style: chr5-10256144-G-A. GRCh37 (hg19) VCF-style: chr5-10256256-G-A.
Other names: c.458G>A, p.Gly153Asp (NM_001306153.1); c.356G>A, p.Gly119Asp (NM_001306154.2); c.242G>A, p.Gly81Asp (NM_001306155.2); c.407G>A, p.Gly136Asp (NM_001306156.2); short protein forms G119D, G136D, G153D, G174D, G81D.
Identifiers: ClinVar variation 4812139 (VCV004812139.1).